The following is an entry in ClinVar:

ClinVar aggregate classification (germline): Uncertain significance. Review status: criteria provided, multiple submitters, no conflicts (2 of 4 stars). 2 submissions from 2 submitters: Uncertain significance (2). Last evaluated 2023-06-26.

Conditions:
Hereditary cancer-predisposing syndrome. Also called: Tumor predisposition; Hereditary Cancer Syndrome; Hereditary neoplastic syndrome; Neoplastic Syndromes, Hereditary. Identifiers: Orphanet 140162, MedGen C0027672, MeSH D009386, MONDO:0015356.

Submissions (2):

Color Diagnostics, LLC DBA Color Health
Classification: Uncertain significance for Hereditary cancer-predisposing syndrome. Last evaluated: 2023-06-26. Review status: criteria provided, single submitter. Criteria: ACMG Guidelines, 2015. Collection method: clinical testing. Allele origin: germline.
Comment: This missense variant replaces serine with tyrosine at codon 1409 of the ATM protein. Computational prediction is inconclusive regarding the impact of this variant on protein structure and function (internally defined REVEL score threshold 0.5 < inconclusive < 0.7, PMID: 27666373). To our knowledge, functional studies have not been reported for this variant. This variant has not been reported in individuals affected with ATM-related disorders in the literature. This variant has not been identified in the general population by the Genome Aggregation Database (gnomAD). The available evidence is insufficient to determine the role of this variant in disease conclusively. Therefore, this variant is classified as a Variant of Uncertain Significance.

GeneDx
Classification: Uncertain significance. Last evaluated: 2014-08-14. Review status: criteria provided, single submitter. Criteria: GeneDx Variant Classification (06012015). Collection method: clinical testing. Allele origin: germline. Affected: yes.
Comment: This variant is denoted ATM c.4226C>A at the cDNA level, p.Ser1409Tyr (S1409Y) at the protein level, and results in the change of a Serine to a Tyrosine (TCC>TAC). This variant has not, to our knowledge, been published in the literature as pathogenic or benign. ATM Ser1409Tyr was not observed in approximately 6,500 individuals of European and African American ancestry in the NHLBI Exome Sequencing Project, indicating it is not a common benign variant in these populations. Since Serine and Tyrosine differ in some properties, this is considered a semi-conservative amino acid substitution. ATM Ser1409Tyr occurs at a position that is moderately conserved across species and is not located in a known functional domain (UniProt). In silico analyses predict that this variant is probably damaging to protein structure and function. Based on currently available information, it is unclear whether ATM Ser1409Tyr is pathogenic or benign. We consider it to be a variant of uncertain significance.

NM_000051.4(ATM):c.4226C>A (p.Ser1409Tyr)

Gene: ATM (ATM serine/threonine kinase; plus strand). Cytogenetic location: 11q22.3.
Variant type: single nucleotide variant.
Coding change: c.4226C>A on transcript NM_000051.4 (MANE Select); coding-DNA position 4226, C replaced by A.
Protein change: p.Ser1409Tyr; replaces serine 1409 with tyrosine.
Molecular consequence: missense variant.
Genome position (GRCh38, 1-based): chr11:108,289,093, C>A. VCF-style: chr11-108289093-C-A. GRCh37 (hg19) VCF-style: chr11-108159820-C-A.
Other names: p.S1409Y:TCC>TAC; c.4226C>A, p.Ser1409Tyr (NM_001351834.2); short protein forms S1409Y.
Identifiers: ClinVar variation 181955 (VCV000181955.4), dbSNP rs730881368, ClinGen allele CA298239.